The following is an entry in ClinVar:

NM_013382.7(POMT2):c.1426T>C (p.Phe476Leu)

Gene: POMT2 (protein O-mannosyltransferase 2; minus strand). Cytogenetic location: 14q24.3.
Variant type: single nucleotide variant.
Coding change: c.1426T>C on transcript NM_013382.7 (MANE Select); coding-DNA position 1426, T replaced by C.
Protein change: p.Phe476Leu; replaces phenylalanine 476 with leucine.
Molecular consequence: missense variant.
Genome position (GRCh38, 1-based): chr14:77,285,539, A>G on the plus strand (T>C on the coding strand, the complement: POMT2 is on the minus strand). VCF-style: chr14-77285539-A-G. GRCh37 (hg19) VCF-style: chr14-77751882-A-G.
Other names: short protein forms F476L.
Identifiers: ClinVar variation 1522150 (VCV001522150.8), dbSNP rs727502856, ClinGen allele CA295437.

ClinVar aggregate classification (germline): Uncertain significance (1 of 4 stars; one submission).

Conditions:
Muscular dystrophy-dystroglycanopathy (congenital with impaired intellectual development), type B, 2. Also called: Muscular dystrophy-dystroglycanopathy (congenital with intellectual disability), type B2; MUSCULAR DYSTROPHY, CONGENITAL, POMT2-RELATED. Identifiers: MedGen C3150416, MONDO:0013160, OMIM 613156.
Autosomal recessive limb-girdle muscular dystrophy type 2N. Also called: MUSCULAR DYSTROPHY-DYSTROGLYCANOPATHY, LIMB-GIRDLE, POMT2-RELATED; Muscular dystrophy-dystroglycanopathy (limb-girdle), type C, 2. Identifiers: Orphanet 206559, MedGen C3150418, MONDO:0013162, OMIM 613158.
Muscular dystrophy-dystroglycanopathy (congenital with brain and eye anomalies), type A2. Also called: MUSCULAR DYSTROPHY-DYSTROGLYCANOPATHY (CONGENITAL WITH BRAIN AND EYE ANOMALIES), TYPE A, 2; WALKER-WARBURG SYNDROME OR MUSCLE-EYE-BRAIN DISEASE, POMT2-RELATED. Identifiers: Orphanet 588, Orphanet 899, MedGen C3150411, MONDO:0013154, OMIM 613150.

Allele frequency attached by ClinVar (database versions not stated): gnomAD exomes below 0.00001; TOPMed 0.00001.

Submission:

Labcorp Genetics (formerly Invitae), Labcorp
Classification: Uncertain significance for Muscular dystrophy-dystroglycanopathy (congenital with impaired intellectual development), type B, 2; Muscular dystrophy-dystroglycanopathy (congenital with brain and eye anomalies), type A2; Autosomal recessive limb-girdle muscular dystrophy type 2N. Last evaluated: 2022-05-03. Review status: criteria provided, single submitter. Criteria: Invitae Variant Classification Sherloc (09022015). Collection method: clinical testing. Allele origin: germline.
Comment: This sequence change replaces phenylalanine, which is neutral and non-polar, with leucine, which is neutral and non-polar, at codon 476 of the POMT2 protein (p.Phe476Leu). This variant is present in population databases (rs727502856, gnomAD 0.003%). This variant has not been reported in the literature in individuals affected with POMT2-related conditions. Algorithms developed to predict the effect of missense changes on protein structure and function output the following: SIFT: "Tolerated"; PolyPhen-2: "Benign"; Align-GVGD: "Class C0". The leucine amino acid residue is found in multiple mammalian species, which suggests that this missense change does not adversely affect protein function. In summary, the available evidence is currently insufficient to determine the role of this variant in disease. Therefore, it has been classified as a Variant of Uncertain Significance.